The following is an entry in ClinVar:

ClinVar aggregate classification (germline): Uncertain significance. Review status: criteria provided, multiple submitters, no conflicts (2 of 4 stars). 2 submissions from 2 submitters: Uncertain significance (2). Last evaluated 2026-01-18.

Conditions:
Birt-Hogg-Dube syndrome. Also called: Birt Hogg Dubé syndrome. Identifiers: Orphanet 122, MedGen C0346010, MONDO:0800444.
Hereditary cancer-predisposing syndrome. Also called: Hereditary Cancer Syndrome; Neoplastic Syndromes, Hereditary; Hereditary neoplastic syndrome; Tumor predisposition. Identifiers: Orphanet 140162, MedGen C0027672, MeSH D009386, MONDO:0015356.

Submissions (2):

Labcorp Genetics (formerly Invitae), Labcorp
Classification: Uncertain significance for Birt-Hogg-Dube syndrome. Last evaluated: 2026-01-18. Review status: criteria provided, single submitter. Criteria: Invitae Variant Classification Sherloc (09022015). Collection method: clinical testing. Allele origin: germline.
Comment: This sequence change replaces serine, which is neutral and polar, with arginine, which is basic and polar, at codon 461 of the FLCN protein (p.Ser461Arg). This variant is not present in population databases (gnomAD no frequency). This variant has not been reported in the literature in individuals affected with FLCN-related conditions. ClinVar contains an entry for this variant (Variation ID: 819068). Invitae Evidence Modeling of protein sequence and biophysical properties (such as structural, functional, and spatial information, amino acid conservation, physicochemical variation, residue mobility, and thermodynamic stability) indicates that this missense variant is not expected to disrupt FLCN protein function with a negative predictive value of 80%. In summary, the available evidence is currently insufficient to determine the role of this variant in disease. Therefore, it has been classified as a Variant of Uncertain Significance.

Ambry Genetics
Classification: Uncertain significance for Hereditary cancer-predisposing syndrome. Last evaluated: 2018-12-14. Review status: criteria provided, single submitter. Criteria: Ambry Variant Classification Scheme 2023. Collection method: clinical testing. Allele origin: germline.
Comment: The p.S461R variant (also known as c.1383C>G), located in coding exon 9 of the FLCN gene, results from a C to G substitution at nucleotide position 1383. The serine at codon 461 is replaced by arginine, an amino acid with dissimilar properties. This amino acid position is well conserved in available vertebrate species. In addition, the in silico prediction for this alteration is inconclusive. Since supporting evidence is limited at this time, the clinical significance of this alteration remains unclear.

NM_144997.7(FLCN):c.1383C>G (p.Ser461Arg)

Gene: FLCN (folliculin; minus strand). Cytogenetic location: 17p11.2.
Variant type: single nucleotide variant.
Coding change: c.1383C>G on transcript NM_144997.7 (MANE Select); coding-DNA position 1383, C replaced by G.
Protein change: p.Ser461Arg; replaces serine 461 with arginine.
Molecular consequence: missense variant.
Genome position (GRCh38, 1-based): chr17:17,215,234, G>C on the plus strand (C>G on the coding strand, the complement: FLCN is on the minus strand). VCF-style: chr17-17215234-G-C. GRCh37 (hg19) VCF-style: chr17-17118548-G-C.
Other names: c.1437C>G, p.Ser479Arg (NM_001353229.2); c.1383C>G, p.Ser461Arg (NM_001353230.2, NM_001353231.2); short protein forms S479R, S461R.
Identifiers: ClinVar variation 819068 (VCV000819068.5), dbSNP rs772310968, ClinGen allele CA398531263.